The following is an entry in ClinVar:

ClinVar aggregate classification (germline): Uncertain significance (1 of 4 stars; one submission).

Conditions:
Atrioventricular septal defect 5 (AVSD5). Identifiers: MedGen C3280939, MONDO:0013769, OMIM 614474.

Allele frequency attached by ClinVar (database versions not stated): TOPMed below 0.00001.
gnomAD v4.1: 5 of 1,590,870 alleles (0.00031%); highest among the groups gnomAD compares: Admixed American, 0.0017%; no homozygotes.

Submission:

Labcorp Genetics (formerly Invitae), Labcorp
Classification: Uncertain significance for Atrioventricular septal defect 5. Last evaluated: 2022-06-23. Review status: criteria provided, single submitter. Criteria: Invitae Variant Classification Sherloc (09022015). Collection method: clinical testing. Allele origin: germline.
Comment: This sequence change replaces proline, which is neutral and non-polar, with serine, which is neutral and polar, at codon 54 of the GATA6 protein (p.Pro54Ser). In summary, the available evidence is currently insufficient to determine the role of this variant in disease. Therefore, it has been classified as a Variant of Uncertain Significance. Algorithms developed to predict the effect of missense changes on protein structure and function output the following: SIFT: "Tolerated"; PolyPhen-2: "Benign"; Align-GVGD: "Class C0". The serine amino acid residue is found in multiple mammalian species, which suggests that this missense change does not adversely affect protein function. This variant has not been reported in the literature in individuals affected with GATA6-related conditions. This variant is present in population databases (rs769197296, gnomAD 0.003%).

NM_005257.6(GATA6):c.160C>T (p.Pro54Ser)

Gene: GATA6 (GATA binding protein 6; plus strand). Cytogenetic location: 18q11.2.
Variant type: single nucleotide variant.
Coding change: c.160C>T on transcript NM_005257.6 (MANE Select); coding-DNA position 160, C replaced by T.
Protein change: p.Pro54Ser; replaces proline 54 with serine.
Molecular consequence: missense variant.
Genome position (GRCh38, 1-based): chr18:22,171,304, C>T. VCF-style: chr18-22171304-C-T. GRCh37 (hg19) VCF-style: chr18-19751265-C-T.
Other names: short protein forms P54S.
Identifiers: ClinVar variation 2142836 (VCV002142836.4), dbSNP rs769197296, ClinGen allele CA8908831.